The following is an entry in ClinVar:

ClinVar aggregate classification (germline): Likely pathogenic (1 of 4 stars; one submission).

Conditions:
Autosomal recessive limb-girdle muscular dystrophy type 2J (LGMDR10). Also called: Limb-girdle muscular dystrophy, type 2J; MUSCULAR DYSTROPHY, LIMB-GIRDLE, AUTOSOMAL RECESSIVE 10. Identifiers: Orphanet 140922, MedGen C1837342, MONDO:0012127, OMIM 608807.
Dilated cardiomyopathy 1G (CMD1G). Identifiers: Orphanet 154, MedGen C1858763, MONDO:0011400, OMIM 604145.

Submission:

Labcorp Genetics (formerly Invitae), Labcorp
Classification: Likely pathogenic for Dilated cardiomyopathy 1G; Autosomal recessive limb-girdle muscular dystrophy type 2J. Last evaluated: 2026-01-08. Review status: criteria provided, single submitter. Criteria: Invitae Variant Classification Sherloc (09022015). Collection method: clinical testing. Allele origin: germline.
Comment: This sequence change creates a premature translational stop signal (p.Asn27465Lysfs*4) in the TTN gene. While this is not anticipated to result in nonsense mediated decay, it is expected to create a truncated TTN protein. This variant is not present in population databases (gnomAD no frequency). This variant has not been reported in the literature in individuals affected with TTN-related conditions. This variant is located in the A band of TTN (PMID: 25589632). Truncating variants in this region are significantly overrepresented in patients affected with dilated cardiomyopathy (PMID: 25589632). Truncating variants in this region have also been reported in individuals affected with autosomal recessive centronuclear myopathy (PMID: 23975875). In summary, the currently available evidence indicates that the variant is pathogenic, but additional data are needed to prove that conclusively. Therefore, this variant has been classified as Likely Pathogenic.

Literature cited by the submitters: PubMed 25589632; PubMed 23975875.

NM_001267550.2(TTN):c.82394dup (p.Asn27465fs)

Genes: TTN (titin; minus strand), TTN-AS1 (TTN antisense RNA 1; plus strand). Cytogenetic location: 2q31.2.
Variant type: Duplication.
Coding change: c.82394dup on transcript NM_001267550.2 (MANE Select); coding-DNA position 82394, one base duplicated (A; older notation c.82394dupA).
Protein change: p.Asn27465fs; shifts the reading frame from asparagine 27465.
Molecular consequence: frameshift variant.
Genome position (GRCh38, 1-based): chr2:178,563,738, T duplicated on the plus strand (A on the coding strand, the reverse complement: TTN is on the minus strand); the first of 2 consecutive T bases (chr2:178,563,738-178,563,739); duplicating either gives the same sequence. VCF-style (leftmost placement, unchanged base first): chr2-178563737-A-AT. GRCh37 (hg19) VCF-style: chr2-179428464-A-AT.
Other names: c.77471dup, p.Asn25824fs (NM_001256850.1); c.55199dup, p.Asn18400fs (NM_003319.4); c.74690dup, p.Asn24897fs (NM_133378.4); c.55574dup, p.Asn18525fs (NM_133432.3); c.55775dup, p.Asn18592fs (NM_133437.4); short protein forms N18525fs, N27465fs, N25824fs, N24897fs, N18400fs, N18592fs.
Identifiers: ClinVar variation 4786836 (VCV004786836.1).